The following is an entry in ClinVar:

ClinVar aggregate classification (germline): Uncertain significance (1 of 4 stars; one submission).

Conditions:
Autism spectrum disorder due to AUTS2 deficiency (MRD26). Also called: INTELLECTUAL DEVELOPMENTAL DISORDER, AUTOSOMAL DOMINANT 26. Identifiers: Orphanet 352490, MedGen C4014435, MONDO:0014361, OMIM 615834.

Submission:

New York Genome Center
Classification: Uncertain significance for Autism spectrum disorder due to AUTS2 deficiency. Last evaluated: 2021-06-11. Review status: criteria provided, single submitter. Criteria: NYGC Assertion Criteria 2020. Collection method: clinical testing. Allele origin: de novo. Observed: 1 heterozygote. Study: CSER-NYCKidSeq.
Comment: The de novo c.634+2202A>G variant is a deep intronic single nucleotide variant within intron 3/18. This variant is absent from gnomAD(v3.1.1) suggesting it is not a common benign variant in the populations represented in this database. In silico algorithm SpliceAI does not predict this variant to lead to an alteration in splicing(delta score=0.00) and the Transcript inferred Pathogenicity Score (TraP) for this variant is 0.084, which is 50-75% score-percentile, suggesting it is probably not damaging to splicing. This variant is absent from ClinVar and to our current knowledge has not been reported in affected individuals in the literature. While it is identified de novo in the affected individual and absent in population databases, the lack of additional compelling evidence for its pathogenicity results in its classification as a Variant of Uncertain Significance.

NM_015570.4(AUTS2):c.624+2202A>G

Gene: AUTS2 (activator of transcription and developmental regulator AUTS2; plus strand). Cytogenetic location: 7q11.22.
Variant type: single nucleotide variant.
Coding change: c.624+2202A>G on transcript NM_015570.4 (MANE Select); 2202 bases into the intron after coding-DNA position 624, A replaced by G.
Molecular consequence: intron variant.
Genome position (GRCh38, 1-based): chr7:70,120,435, A>G. VCF-style: chr7-70120435-A-G. GRCh37 (hg19) VCF-style: chr7-69585421-A-G.
Other names: c.624+2202A>G (NM_001127231.3, NM_001127232.3).
Identifiers: ClinVar variation 1696745 (VCV001696745.1), dbSNP rs2129573053, ClinGen allele CA2580077324.